The following is an entry in ClinVar:

NM_182914.3(SYNE2):c.15458G>A (p.Arg5153His)

Gene: SYNE2 (spectrin repeat containing nuclear envelope protein 2; plus strand). Cytogenetic location: 14q23.2.
Variant type: single nucleotide variant.
Coding change: c.15458G>A on transcript NM_182914.3 (MANE Select); coding-DNA position 15458, G replaced by A.
Protein change: p.Arg5153His; replaces arginine 5153 with histidine.
Molecular consequence: missense variant.
Genome position (GRCh38, 1-based): chr14:64,143,923, G>A. VCF-style: chr14-64143923-G-A. GRCh37 (hg19) VCF-style: chr14-64610641-G-A.
Other names: c.15458G>A, p.Arg5153His (NM_015180.6); short protein forms R5153H.
Identifiers: ClinVar variation 1010027 (VCV001010027.8), dbSNP rs773752983, ClinGen allele CA7223086.

ClinVar aggregate classification (germline): Uncertain significance (1 of 4 stars; one submission).

Conditions:
Emery-Dreifuss muscular dystrophy 5, autosomal dominant (EDMD5). Also called: EMERY-DREIFUSS MUSCULAR DYSTROPHY 5. Identifiers: Orphanet 261, MedGen C2751805, MONDO:0013072, OMIM 612999.

Allele frequency attached by ClinVar (database versions not stated): gnomAD 0.00001; gnomAD exomes 0.00002; TOPMed 0.00002; ExAC 0.00004.
gnomAD v4.1: 31 of 1,614,030 alleles (0.0019%); highest among the groups gnomAD compares: Middle Eastern, 0.016%; no homozygotes.

Submission:

Labcorp Genetics (formerly Invitae), Labcorp
Classification: Uncertain significance for Emery-Dreifuss muscular dystrophy 5, autosomal dominant. Last evaluated: 2026-01-19. Review status: criteria provided, single submitter. Criteria: Invitae Variant Classification Sherloc (09022015). Collection method: clinical testing. Allele origin: germline.
Comment: This sequence change replaces arginine, which is basic and polar, with histidine, which is basic and polar, at codon 5153 of the SYNE2 protein (p.Arg5153His). This variant is present in population databases (rs773752983, gnomAD 0.006%). This variant has not been reported in the literature in individuals affected with SYNE2-related conditions. ClinVar contains an entry for this variant (Variation ID: 1010027). An algorithm developed to predict the effect of missense changes on protein structure and function outputs the following: PolyPhen-2: "Benign". The histidine amino acid residue is found in multiple mammalian species, which suggests that this missense change does not adversely affect protein function. In summary, the available evidence is currently insufficient to determine the role of this variant in disease. Therefore, it has been classified as a Variant of Uncertain Significance.